The following is an entry in ClinVar:

ClinVar aggregate classification (germline): Uncertain significance (1 of 4 stars; one submission).

Submission:

GeneDx
Classification: Uncertain significance. Last evaluated: 2025-08-07. Review status: criteria provided, single submitter. Criteria: GeneDx Variant Classification Process June 2021. Collection method: clinical testing. Allele origin: germline. Affected: yes.
Comment: In-frame duplication of 5 amino acid(s) in a repetitive region; Has not been previously published as pathogenic or benign to our knowledge

NM_020732.3:c.1016_1033dup

Gene: ARID1B (AT-rich interaction domain 1B; plus strand).
Variant type: Duplication.
Other names: c.1016_1033dup (NM_020732.3).
Identifiers: ClinVar variation 4755908 (VCV004755908.1).